The following is an entry in ClinVar:

ClinVar aggregate classification (germline): Pathogenic (1 of 4 stars; one submission).

Conditions:
Fanconi anemia (FA). Also called: Fanconi's anemia. Identifiers: Orphanet 84, MedGen C0015625, MeSH D005199, MONDO:0019391.

Submission:

Labcorp Genetics (formerly Invitae), Labcorp
Classification: Pathogenic for Fanconi anemia. Last evaluated: 2022-11-20. Review status: criteria provided, single submitter. Criteria: Invitae Variant Classification Sherloc (09022015). Collection method: clinical testing. Allele origin: germline.
Comment: For these reasons, this variant has been classified as Pathogenic. A similar copy number variant has been observed in individual(s) with Fanconi anemia (PMID: 30792206). This variant is a gross deletion of the genomic region encompassing exon(s) 37 of the FANCA gene. This deletion is out-of-frame, and is expected to create a premature termination codon and result in an absent or disrupted protein product. Loss-of-function variants in FANCA are known to be pathogenic (PMID: 19367192).

Literature cited by the submitters: PubMed 30792206; PubMed 19367192.

NC_000016.9:g.(?_89809198)_(89809356_?)del

Gene: FANCA (FA complementation group A; minus strand). Cytogenetic location: 16q24.3.
Variant type: Deletion.
Identifiers: ClinVar variation 2422402 (VCV002422402.4).